The following is an entry in ClinVar:

ClinVar aggregate classification (germline): Uncertain significance (1 of 4 stars; one submission).

gnomAD v4.1: 113 of 1,613,868 alleles (0.007%); highest among the groups gnomAD compares: East Asian, 0.076%; 2 homozygotes.

Submission:

Labcorp Genetics (formerly Invitae), Labcorp
Classification: Uncertain significance. Last evaluated: 2024-03-15. Review status: criteria provided, single submitter. Criteria: Invitae Variant Classification Sherloc (09022015). Collection method: clinical testing. Allele origin: germline.
Comment: This sequence change replaces arginine, which is basic and polar, with cysteine, which is neutral and slightly polar, at codon 658 of the TRAP1 protein (p.Arg658Cys). This variant is present in population databases (rs139636268, gnomAD 0.01%). This variant has not been reported in the literature in individuals affected with TRAP1-related conditions. Advanced modeling of protein sequence and biophysical properties (such as structural, functional, and spatial information, amino acid conservation, physicochemical variation, residue mobility, and thermodynamic stability) performed at Invitae indicates that this missense variant is not expected to disrupt TRAP1 protein function with a negative predictive value of 80%. In summary, the available evidence is currently insufficient to determine the role of this variant in disease. Therefore, it has been classified as a Variant of Uncertain Significance.

NM_016292.3(TRAP1):c.1972C>T (p.Arg658Cys)

Genes: DNASE1 (deoxyribonuclease 1; plus strand), TRAP1 (TNF receptor associated protein 1; minus strand). Cytogenetic location: 16p13.3.
Variant type: single nucleotide variant.
Coding change: c.1972C>T on transcript NM_016292.3 (MANE Select); coding-DNA position 1972, C replaced by T.
Protein change: p.Arg658Cys; replaces arginine 658 with cysteine.
Molecular consequence: missense variant. On other transcripts: intron variant (1).
Genome position (GRCh38, 1-based): chr16:3,658,834, G>A on the plus strand (C>T on the coding strand, the complement: TRAP1 is on the minus strand). VCF-style: chr16-3658834-G-A. GRCh37 (hg19) VCF-style: chr16-3708835-G-A.
Other names: c.*21+967G>A (NM_001387140.1); c.1813C>T, p.Arg605Cys (NM_001272049.2); short protein forms R658C, R605C.
Identifiers: ClinVar variation 3709181 (VCV003709181.2).
Genomic context (GRCh38, chr16:3,658,834, plus strand): 5'-CCTAAGCTGCTGCACTCACCTGATCCACCAGCAGCTGAGCCAGGCCAGGCTCGCTTGCGC[G>A]CAGCTGATTCAGCTTCTTGATGAGCGCGTGCCTGCAACACAGAACCCACCAGAAAAAGCA-3'
Protein context (NP_057376.2, residues 648-668): HALIKKLNQL[Arg658Cys]ASEPGLAQLL